The following is an entry in ClinVar:

NM_000548.5(TSC2):c.4272C>A (p.Asp1424Glu)

Gene: TSC2 (TSC complex subunit 2; plus strand). Cytogenetic location: 16p13.3.
Variant type: single nucleotide variant.
Coding change: c.4272C>A on transcript NM_000548.5 (MANE Select); coding-DNA position 4272, C replaced by A.
Protein change: p.Asp1424Glu; replaces aspartic acid 1424 with glutamic acid.
Molecular consequence: missense variant. On other transcripts: non-coding transcript variant (5).
Genome position (GRCh38, 1-based): chr16:2,084,494, C>A. VCF-style: chr16-2084494-C-A. GRCh37 (hg19) VCF-style: chr16-2134495-C-A.
Other names: c.4071C>A, p.Asp1357Glu (NM_001077183.3); c.4203C>A, p.Asp1401Glu (NM_001114382.3); c.3963C>A, p.Asp1321Glu (NM_001318827.2); c.3927C>A, p.Asp1309Glu (NM_001318829.2); c.3540C>A, p.Asp1180Glu (NM_001318831.2); c.4104C>A, p.Asp1368Glu (NM_001318832.2); c.4074C>A, p.Asp1358Glu (NM_001363528.2); c.4140C>A, p.Asp1380Glu (NM_001370404.1); and 26 more; short protein forms D1351E, D1358E, D1380E, D1387E, D1398E, D1424E, D823E, D932E.
Identifiers: ClinVar variation 2917256 (VCV002917256.3), dbSNP rs371541319, ClinGen allele CA394300696.
Genomic context (GRCh38, chr16:2,084,494, plus strand): 5'-GGCCGACGTGGGCCGGCTGAGCCCTGAGGTTAAGGCCCGGTCACAGTCAGGGACCCTGGA[C>A]GGGGAAAGTGCTGCCTGGTCGGCCTCGGGCGAAGACAGTCGGGGCCAGCCCGAGGGTCCC-3'
Protein context (NP_000539.2, residues 1414-1434): VKARSQSGTL[Asp1424Glu]GESAAWSASG

ClinVar aggregate classification (germline): Uncertain significance (1 of 4 stars; one submission).

Conditions:
Tuberous sclerosis 2 (TSC2). Identifiers: Orphanet 805, MedGen C1860707, MONDO:0013199, OMIM 613254.

Submission:

Labcorp Genetics (formerly Invitae), Labcorp
Classification: Uncertain significance for Tuberous sclerosis 2. Last evaluated: 2023-10-09. Review status: criteria provided, single submitter. Criteria: Invitae Variant Classification Sherloc (09022015). Collection method: clinical testing. Allele origin: germline.
Comment: This sequence change replaces aspartic acid, which is acidic and polar, with glutamic acid, which is acidic and polar, at codon 1424 of the TSC2 protein (p.Asp1424Glu). This variant is not present in population databases (gnomAD no frequency). This variant has not been reported in the literature in individuals affected with TSC2-related conditions. Advanced modeling of protein sequence and biophysical properties (such as structural, functional, and spatial information, amino acid conservation, physicochemical variation, residue mobility, and thermodynamic stability) performed at Invitae indicates that this missense variant is not expected to disrupt TSC2 protein function. In summary, the available evidence is currently insufficient to determine the role of this variant in disease. Therefore, it has been classified as a Variant of Uncertain Significance.